The following is an entry in ClinVar:

NM_178229.5(IQGAP3):c.1042-7C>G

Gene: IQGAP3 (IQ motif containing GTPase activating protein 3; minus strand). Cytogenetic location: 1q22.
Variant type: single nucleotide variant.
Coding change: c.1042-7C>G on transcript NM_178229.5 (MANE Select); 7 bases into the intron before coding-DNA position 1042, C replaced by G.
Molecular consequence: intron variant.
Genome position (GRCh38, 1-based): chr1:156,561,028, G>C on the plus strand (C>G on the coding strand, the complement: IQGAP3 is on the minus strand). VCF-style: chr1-156561028-G-C. GRCh37 (hg19) VCF-style: chr1-156530820-G-C.
Identifiers: ClinVar variation 3057958 (VCV003057958.2), dbSNP rs749187302, ClinGen allele CA1161773.

ClinVar aggregate classification (germline): Likely benign (0 of 4 stars; one submission).

Conditions:
IQGAP3-related disorder. Also called: IQGAP3-related condition.

Allele frequency attached by ClinVar (database versions not stated): gnomAD exomes 0.00006; ExAC 0.00007; gnomAD 0.00015; TOPMed 0.00027.
gnomAD v4.1: 111 of 1,606,706 alleles (0.0069%); highest among the groups gnomAD compares: Middle Eastern, 0.18%; no homozygotes.

Submission:

PreventionGenetics, part of Exact Sciences
Classification: Likely benign for IQGAP3-related condition. Last evaluated: 2019-03-20. Review status: no assertion criteria provided. Collection method: clinical testing. Allele origin: germline.
Comment: This variant is classified as likely benign based on ACMG/AMP sequence variant interpretation guidelines (Richards et al. 2015 PMID: 25741868, with internal and published modifications).